The following is an entry in ClinVar:

ClinVar aggregate classification (germline): Uncertain significance. Review status: criteria provided, multiple submitters, no conflicts (2 of 4 stars). 2 submissions from 2 submitters: Uncertain significance (2). Last evaluated 2024-10-22.

Conditions:
Inborn genetic diseases. Identifiers: MedGen C0950123, MeSH D030342.
Cornelia de Lange syndrome 1 (CDLS1). Also called: TYPUS DEGENERATIVUS AMSTELODAMENSIS; Brachmann de Lange syndrome; NIPBL-Related Cornelia de Lange Syndrome. Identifiers: Orphanet 199, MedGen C4551851, MONDO:0007387, OMIM 122470.

Allele frequency attached by ClinVar (database versions not stated): gnomAD exomes below 0.00001; TOPMed 0.00001; gnomAD 0.00002.
gnomAD v4.1: 4 of 1,613,884 alleles (0.00025%); highest among the groups gnomAD compares: Admixed American, 0.0067%; no homozygotes.

Submissions (2):

Labcorp Genetics (formerly Invitae), Labcorp
Classification: Uncertain significance for Cornelia de Lange syndrome 1. Last evaluated: 2024-10-22. Review status: criteria provided, single submitter. Criteria: Invitae Variant Classification Sherloc (09022015). Collection method: clinical testing. Allele origin: germline.
Comment: This sequence change replaces histidine, which is basic and polar, with tyrosine, which is neutral and polar, at codon 2589 of the NIPBL protein (p.His2589Tyr). This variant is present in population databases (no rsID available, gnomAD 0.003%). This variant has not been reported in the literature in individuals affected with NIPBL-related conditions. ClinVar contains an entry for this variant (Variation ID: 1760517). Invitae Evidence Modeling of protein sequence and biophysical properties (such as structural, functional, and spatial information, amino acid conservation, physicochemical variation, residue mobility, and thermodynamic stability) has been performed for this missense variant. However, the output from this modeling did not meet the statistical confidence thresholds required to predict the impact of this variant on NIPBL protein function. In summary, the available evidence is currently insufficient to determine the role of this variant in disease. Therefore, it has been classified as a Variant of Uncertain Significance.

Ambry Genetics
Classification: Uncertain significance for Inborn genetic diseases. Last evaluated: 2016-09-21. Review status: criteria provided, single submitter. Criteria: Ambry Variant Classification Scheme 2023. Collection method: clinical testing. Allele origin: germline.
Comment: The p.H2589Y variant (also known as c.7765C>T), located in coding exon 44 of the NIPBL gene, results from a C to T substitution at nucleotide position 7765. The histidine at codon 2589 is replaced by tyrosine, an amino acid with similar properties. This variant was not reported in population based cohorts in the following databases: Database of Single Nucleotide Polymorphisms (dbSNP), NHLBI Exome Sequencing Project (ESP), and 1000 Genomes Project. In the ESP, this variant was not observed in 6503 samples (13006 alleles) with coverage at this position. This amino acid position is well conserved in available vertebrate species. In addition, the in silico prediction for this alteration is inconclusive. Since supporting evidence is limited at this time, the clinical significance of this alteration remains unclear.

NM_133433.4(NIPBL):c.7765C>T (p.His2589Tyr)

Gene: NIPBL (NIPBL cohesin loading factor; plus strand). Cytogenetic location: 5p13.2.
Variant type: single nucleotide variant.
Coding change: c.7765C>T on transcript NM_133433.4 (MANE Select); coding-DNA position 7765, C replaced by T.
Protein change: p.His2589Tyr; replaces histidine 2589 with tyrosine.
Molecular consequence: missense variant.
Genome position (GRCh38, 1-based): chr5:37,060,923, C>T. VCF-style: chr5-37060923-C-T. GRCh37 (hg19) VCF-style: chr5-37061025-C-T.
Other names: c.7765C>T, p.His2589Tyr (NM_015384.5); short protein forms H2589Y.
Identifiers: ClinVar variation 1760517 (VCV001760517.4), dbSNP rs1423499316, ClinGen allele CA359518624.
Genomic context (GRCh38, chr5:37,060,923, plus strand): 5'-CCATCTGAATCTGCAAAAGTATATGATAAAGCGATAAACCGAAAAACAGGAGTTCATTTT[C>T]ATCCAAAACAAACACTGGACTTCCTGCGGAGTGACATGGCTAATTCCAAAATCACAGAAG-3'
Protein context (NP_597677.2, residues 2579-2599): AINRKTGVHF[His2589Tyr]PKQTLDFLRS